The following is an entry in ClinVar:

ClinVar aggregate classification (germline): Pathogenic (1 of 4 stars; one submission).

Conditions:
Autosomal recessive limb-girdle muscular dystrophy type 2A (LGMDR1). Also called: Limb-girdle muscular dystrophy, type 2A; Muscular dystrophy, limb-girdle, type 2A, Amish; LEYDEN-MOEBIUS MUSCULAR DYSTROPHY; MUSCULAR DYSTROPHY, PELVOFEMORAL; Calpainopathy. Identifiers: Orphanet 267, MedGen C1869123, MONDO:0009675, OMIM 253600. Disease mechanism: loss of function.

Submission:

Labcorp Genetics (formerly Invitae), Labcorp
Classification: Pathogenic for Autosomal recessive limb-girdle muscular dystrophy type 2A. Last evaluated: 2021-08-12. Review status: criteria provided, single submitter. Criteria: Invitae Variant Classification Sherloc (09022015). Collection method: clinical testing. Allele origin: germline.
Comment: This variant is a gross deletion of the genomic region encompassing exon(s) 2-7 of the CAPN3 gene. This variant would be expected to be in-frame, preserving the integrity of the reading frame. This variant has not been reported in the literature in individuals affected with CAPN3-related conditions. The region of the CAPN3 gene that includes exon(s) 2-6 has been determined to be clinically significant (PMID: 29797799; (08)00478-1/fulltext). Therefore, deletions that encompass that region are likely to be disease-causing. For these reasons, this variant has been classified as Pathogenic.

Literature cited by the submitters: PubMed 29797799.

NC_000015.9:g.(?_42676661)_(42684940_?)del

Gene: CAPN3 (calpain 3; plus strand). Cytogenetic location: 15q15.1.
Variant type: Deletion.
Identifiers: ClinVar variation 1451907 (VCV001451907.7).